The following is an entry in ClinVar:

NM_000489.6(ATRX):c.844A>C (p.Ser282Arg)

Gene: ATRX (ATRX chromatin remodeler; minus strand). Cytogenetic location: Xq21.1.
Variant type: single nucleotide variant.
Coding change: c.844A>C on transcript NM_000489.6 (MANE Select); coding-DNA position 844, A replaced by C.
Protein change: p.Ser282Arg; replaces serine 282 with arginine.
Molecular consequence: missense variant.
Genome position (GRCh38, 1-based): chrX:77,684,412, T>G on the plus strand (A>C on the coding strand, the complement: ATRX is on the minus strand). VCF-style: chrX-77684412-T-G. GRCh37 (hg19) VCF-style: chrX-76939904-T-G.
Other names: c.730A>C, p.Ser244Arg (NM_138270.5); short protein forms S244R, S282R.
Identifiers: ClinVar variation 3352264 (VCV003352264.1).
Genomic context (GRCh38, chrX:77,684,412, plus strand): 5'-TGTCAACTTTTATCTTCTTCTTATTTTGCTGCAACAACTGTTCTAAATTCTCAAATACGC[T>G]GTTACATGCAGTGACCAAGTCCAACAAAGGCTCTGGGTGACAAATGTAGCAATACCATTG-3'
Protein context (NP_000480.3, residues 272-292): PLLDLVTACN[Ser282Arg]VFENLEQLLQ

ClinVar aggregate classification (germline): Uncertain significance (0 of 4 stars; one submission).

Conditions:
ATRX-related disorder. Also called: ATRX-related condition.

Submission:

PreventionGenetics, part of Exact Sciences
Classification: Uncertain significance for ATRX-related condition. Last evaluated: 2024-06-30. Review status: no assertion criteria provided. Collection method: clinical testing. Allele origin: germline.
Comment: The ATRX c.844A>C variant is predicted to result in the amino acid substitution p.Ser282Arg. To our knowledge, this variant has not been reported in the literature or in a large population database, indicating this variant is rare. At this time, the clinical significance of this variant is uncertain due to the absence of conclusive functional and genetic evidence.